The following is an entry in ClinVar:

NM_001375654.1(RP1):c.3363G>A (p.Trp1121Ter)

Gene: RP1 (RP1 axonemal microtubule associated; plus strand). Cytogenetic location: 8q12.1.
Variant type: single nucleotide variant.
Coding change: c.3363G>A on transcript NM_001375654.1; coding-DNA position 3363, G replaced by A.
Protein change: p.Trp1121Ter; replaces tryptophan 1121 with a stop codon.
Molecular consequence: nonsense.
Genome position (GRCh38, 1-based): chr8:54,783,557, G>A. VCF-style: chr8-54783557-G-A. GRCh37 (hg19) VCF-style: chr8-55696117-G-A.
Other names: short protein forms W1121*.
Identifiers: ClinVar variation 3026257 (VCV003026257.20), dbSNP rs868815976, ClinGen allele CA2740095047.

ClinVar aggregate classification (germline): Uncertain significance (1 of 4 stars; one submission).

Submission:

CeGaT Center for Human Genetics Tuebingen
Classification: Uncertain significance. Last evaluated: 2023-12-01. Review status: criteria provided, single submitter. Criteria: CeGaT Center For Human Genetics Tuebingen Variant Classification Criteria Version 2. Collection method: clinical testing. Allele origin: germline. Affected: yes. Observed: 1 variant allele.
Comment: RP1: PM2